The following is an entry in ClinVar:

ClinVar aggregate classification (germline): Pathogenic (1 of 4 stars; one submission).

Conditions:
Wiedemann-Steiner syndrome (WDSTS). Also called: Growth deficiency and mental retardation with facial dysmorphism. Identifiers: Orphanet 319182, MedGen C1854630, MONDO:0011518, OMIM 605130.

Submission:

Molecular Genetics Laboratory, Motol Hospital
Classification: Pathogenic for Wiedemann-Steiner syndrome. Last evaluated: 2024-11-04. Review status: criteria provided, single submitter. Criteria: ACMG Guidelines, 2015. Collection method: clinical testing. Allele origin: de novo. Affected: yes. Observed: 1 variant allele.
Comment: The variant was confirmed to be of a de novo origin. Rare variations altering the canonical sequence of acceptor splice-site were well documented as causative in the pathogenesis of Wiedemann-Steiner syndrome (OMIM:605130) (PMID:36479909;29203834). To conclude, the variant is classified as pathogenic (ACMG PVS1, PS2, PM2).

Literature cited by the submitters: PubMed 36479909; PubMed 29203834.

NM_001197104.2(KMT2A):c.3335-1G>C

Gene: KMT2A (lysine methyltransferase 2A; plus strand). Cytogenetic location: 11q23.3.
Variant type: single nucleotide variant.
Coding change: c.3335-1G>C on transcript NM_001197104.2 (MANE Select); the canonical splice acceptor site of the intron before coding-DNA position 3335, G replaced by C.
Molecular consequence: splice acceptor variant.
Genome position (GRCh38, 1-based): chr11:118,477,966, G>C. VCF-style: chr11-118477966-G-C. GRCh37 (hg19) VCF-style: chr11-118348681-G-C.
Other names: c.3434-1G>C (NM_001412597.1); c.3335-1G>C (NM_005933.4).
Identifiers: ClinVar variation 3374744 (VCV003374744.2).